The following is an entry in ClinVar:

NM_001903.5(CTNNA1):c.1464dup (p.Glu489fs)

Gene: CTNNA1 (catenin alpha 1; plus strand). Cytogenetic location: 5q31.2.
Variant type: Duplication.
Coding change: c.1464dup on transcript NM_001903.5 (MANE Select); coding-DNA position 1464, one base duplicated (A; older notation c.1464dupA).
Protein change: p.Glu489fs; shifts the reading frame from glutamic acid 489.
Molecular consequence: frameshift variant.
Genome position (GRCh38, 1-based): chr5:138,917,816, A duplicated; the last of 3 consecutive A bases (chr5:138,917,814-138,917,816); duplicating any one gives the same sequence. VCF-style (leftmost placement, unchanged base first): chr5-138917813-T-TA. GRCh37 (hg19) VCF-style: chr5-138253502-T-TA.
Other names: c.1464dup, p.Glu489fs (NM_001290307.3, NM_001323982.2, NM_001323983.1 and 2 more transcripts); c.1155dup, p.Glu386fs (NM_001290309.3); c.1095dup, p.Glu366fs (NM_001290310.3); c.354dup, p.Glu119fs (NM_001290312.1, NM_001323987.1, NM_001323988.1 and 17 more transcripts); c.1371dup, p.Glu458fs (NM_001323986.2); c.15dup, p.Glu6fs (NM_001324006.1, NM_001324007.1, NM_001324008.1 and 2 more transcripts); c.261dup, p.Glu88fs (NM_001324011.1); c.111dup, p.Glu38fs (NM_001324012.1, NM_001324013.1); short protein forms E119fs, E366fs, E386fs, E38fs, E458fs, E489fs, E6fs, E88fs.
Identifiers: ClinVar variation 2673324 (VCV002673324.1), dbSNP rs2533589473, ClinGen allele CA2695198758.

ClinVar aggregate classification (germline): Pathogenic (1 of 4 stars; one submission).

Conditions:
Hereditary diffuse gastric adenocarcinoma (HDGC). Also called: DIFFUSE GASTRIC AND LOBULAR BREAST CANCER SYNDROME. Identifiers: Orphanet 26106, MedGen C1708349, MONDO:0007648, OMIM 137215.

Submission:

Myriad Genetics, Inc.
Classification: Pathogenic for Hereditary diffuse gastric adenocarcinoma. Last evaluated: 2023-08-08. Review status: criteria provided, single submitter. Criteria: Myriad Autosomal Dominant, Autosomal Recessive and X-Linked Classification Criteria (2023). Collection method: clinical testing. Allele origin: unknown.
Comment: This variant is considered pathogenic. This variant creates a frameshift predicted to result in premature protein truncation.